The following is an entry in ClinVar:

NM_003242.6(TGFBR2):c.1196G>T (p.Gly399Val)

Gene: TGFBR2 (transforming growth factor beta receptor 2; plus strand). Cytogenetic location: 3p24.1.
Variant type: single nucleotide variant.
Coding change: c.1196G>T on transcript NM_003242.6 (MANE Select); coding-DNA position 1196, G replaced by T.
Protein change: p.Gly399Val; replaces glycine 399 with valine.
Molecular consequence: missense variant. On other transcripts: intron variant (1).
Genome position (GRCh38, 1-based): chr3:30,672,379, G>T. VCF-style: chr3-30672379-G-T. GRCh37 (hg19) VCF-style: chr3-30713871-G-T.
Other names: c.1271G>T, p.Gly424Val (NM_001024847.3); c.1379G>T, p.Gly460Val (NM_001407126.1); c.1304G>T, p.Gly435Val (NM_001407127.1); c.1223G>T, p.Gly408Val (NM_001407128.1); c.1199G>T, p.Gly400Val (NM_001407129.1); c.1196G>T, p.Gly399Val (NM_001407130.1); c.1091G>T, p.Gly364Val (NM_001407132.1, NM_001407133.1, NM_001407134.1 and 2 more transcripts); c.911G>T, p.Gly304Val (NM_001407137.1); and 2 more; short protein forms G400V, G408V, G279V, G364V, G399V, G424V, G435V, G304V.
Identifiers: ClinVar variation 4961591 (VCV004961591.2).

ClinVar aggregate classification (germline): Uncertain significance. Review status: criteria provided, multiple submitters, no conflicts (2 of 4 stars). 2 submissions from 2 submitters: Uncertain significance (2). Last evaluated 2026-07-01.

Conditions:
Familial thoracic aortic aneurysm and aortic dissection (TAAD). Also called: Thoracic aortic aneurysms and dissections. Identifiers: Orphanet 91387, MedGen C4707243, MONDO:0019625.

Submissions (2):

Ambry Genetics
Classification: Uncertain significance for Familial thoracic aortic aneurysm and aortic dissection. Last evaluated: 2026-07-01. Review status: criteria provided, single submitter. Criteria: Ambry Variant Classification Scheme 2023. Collection method: clinical testing. Allele origin: germline.
Comment: The p.G424V variant (also known as c.1271G>T), located in coding exon 5 of the TGFBR2 gene, results from a G to T substitution at nucleotide position 1271. The glycine at codon 424 is replaced by valine, an amino acid with dissimilar properties. This amino acid position is conserved. In addition, this alteration is predicted to be deleterious by in silico analysis. Based on the available evidence, the clinical significance of this variant remains unclear.

Blueprint Genetics
Classification: Uncertain significance. Last evaluated: 2022-09-14. Review status: criteria provided, single submitter. Criteria: ACMG Guidelines, 2015. Collection method: clinical testing. Allele origin: germline.